The following is an entry in ClinVar:

ClinVar aggregate classification (germline): Conflicting classifications of pathogenicity. Review status: criteria provided, conflicting classifications (1 of 4 stars). 6 submissions from 6 submitters: Likely pathogenic (1); Uncertain significance (4). 1 of the submissions does not count toward it. Last evaluated 2025-09-30.

Conditions:
ABCC6-related disorder. Also called: ABCC6-related condition.
Autosomal recessive inherited pseudoxanthoma elasticum (PXE). Identifiers: Orphanet 758, MedGen CN032334, MONDO:0009925, OMIM 264800.
Pseudoxanthoma elasticum, forme fruste. Also called: Pseudoxanthoma Elasticum, Incomplete; PSEUDOXANTHOMA ELASTICUM, HETEROZYGOUS. Identifiers: Orphanet 758, MedGen C1867450, MONDO:0008333, OMIM 177850.
Arterial calcification, generalized, of infancy, 2. Identifiers: Orphanet 51608, MedGen C3276161, MONDO:0013768, OMIM 614473.

Allele frequency attached by ClinVar (database versions not stated): 1000 Genomes Project 30x 0.00016; 1000 Genomes Project 0.00020; TOPMed 0.00020; gnomAD 0.00028 and 0.00030; ESP Exome Variant Server 0.00041; gnomAD exomes 0.00043 and 0.00046; ExAC 0.00112.

Submissions (6):

PreventionGenetics, part of Exact Sciences
Classification: Uncertain significance for ABCC6-related condition. Last evaluated: 2025-09-30. Review status: criteria provided, single submitter. Criteria: ACMG Guidelines, 2015. Collection method: clinical testing. Allele origin: germline.
Comment: The ABCC6 c.496C>T variant is predicted to result in the amino acid substitution p.Arg166Cys. This variant has been reported in two siblings presenting with features of pseudoxanthoma elasticum. An additional ABCC6 variant was identified in these siblings, however, phase was not conclusively reported (Case 2, Martin et al 2008. PubMed ID: 18347285). This variant has also been reported in the homozygous state in an individual with generalized arterial calcification of infancy (Kadiyani et al. 2024. PubMed ID: 39830490). This variant is reported in 0.19% of alleles in individuals of South Asian descent in gnomAD (as displayed in the table above). However, in gnomAD v4 (available only on GRCh38), this variant is reported in 0.18% of alleles in a subpopulation, including four homozygotes. While we suspect that this variant may be pathogenic, at this time, the clinical significance of this variant is uncertain due to the absence of conclusive functional and genetic evidence.

GeneDx
Classification: Likely pathogenic. Last evaluated: 2025-07-22. Review status: criteria provided, single submitter. Criteria: GeneDx Variant Classification Process June 2021. Collection method: clinical testing. Allele origin: germline. Affected: yes.
Comment: Observed in apparent homozygous state in a patient with generalized arterial calcification of infancy (GACI) in the literature, but it is unknown whether this individual was screened for variants in other genes associated with GACI (PMID: 39830490); Observed with another ABCC6 variant in a patient with hypotonia, decreased deep tendon reflexes, dilated cardiomyopathy, and mild ketosis in published literature, but it is not known if the variants occurred on the same (in cis) or on different (in trans) chromosomes (PMID: 30009132); In silico analysis supports that this missense variant has a deleterious effect on protein structure/function; This variant is associated with the following publications: (PMID: 18347285, 30009132, 34426522, 39830490)

Blueprint Genetics
Classification: Uncertain significance. Last evaluated: 2024-11-20. Review status: criteria provided, single submitter. Criteria: ACMG Guidelines, 2015. Collection method: clinical testing. Allele origin: germline.

Fulgent Genetics
Classification: Uncertain significance for Pseudoxanthoma elasticum, forme fruste; Autosomal recessive inherited pseudoxanthoma elasticum; Arterial calcification, generalized, of infancy, 2. Last evaluated: 2024-03-07. Review status: criteria provided, single submitter. Criteria: ACMG Guidelines, 2015. Collection method: clinical testing. Allele origin: germline.

Eurofins Ntd Llc (ga)
Classification: Uncertain significance. Last evaluated: 2016-11-21. Review status: criteria provided, single submitter. Criteria: EGL Classification Definitions 2015. Collection method: clinical testing. Allele origin: germline. Observed: 1 variant allele, 1 heterozygote.

PXE International
Classification: Uncertain significance for Autosomal recessive inherited pseudoxanthoma elasticum. Last evaluated: 2021-03-01. Review status: no assertion criteria provided. Collection method: research. Allele origin: germline. Inheritance: Autosomal recessive inheritance. Affected: yes. Observed: 1 variant allele. Not counted in ClinVar's aggregate classification.

Literature cited by the submitters: PubMed 32873932 (cited by PXE International).

NM_001171.6(ABCC6):c.496C>T (p.Arg166Cys)

Gene: ABCC6 (ATP binding cassette subfamily C member 6; minus strand). Cytogenetic location: 16p13.11.
Variant type: single nucleotide variant.
Coding change: c.496C>T on transcript NM_001171.6 (MANE Select); coding-DNA position 496, C replaced by T.
Protein change: p.Arg166Cys; replaces arginine 166 with cysteine.
Molecular consequence: missense variant. On other transcripts: non-coding transcript variant (1).
Genome position (GRCh38, 1-based): chr16:16,214,428, G>A on the plus strand (C>T on the coding strand, the complement: ABCC6 is on the minus strand). VCF-style: chr16-16214428-G-A. GRCh37 (hg19) VCF-style: chr16-16308285-G-A.
Other names: c.154C>T, p.Arg52Cys (NM_001351800.1); short protein forms R166C, R52C.
Identifiers: ClinVar variation 372641 (VCV000372641.14), dbSNP rs201766106, ClinGen allele CA7926628.